The following is an entry in ClinVar:

NM_005198.5(CHKB):c.946T>C (p.Tyr316His)

Genes: CHKB-CPT1B (CHKB-CPT1B readthrough (NMD candidate); minus strand), CHKB (choline kinase beta; minus strand). Cytogenetic location: 22q13.33.
Variant type: single nucleotide variant.
Coding change: c.946T>C on transcript NM_005198.5 (MANE Select); coding-DNA position 946, T replaced by C.
Protein change: p.Tyr316His; replaces tyrosine 316 with histidine.
Molecular consequence: missense variant. On other transcripts: non-coding transcript variant (1).
Genome position (GRCh38, 1-based): chr22:50,579,812, A>G on the plus strand (T>C on the coding strand, the complement: CHKB is on the minus strand). VCF-style: chr22-50579812-A-G. GRCh37 (hg19) VCF-style: chr22-51018241-A-G.
Other names: short protein forms Y316H.
Identifiers: ClinVar variation 1464890 (VCV001464890.6), dbSNP rs2070641095, ClinGen allele CA412195246.

ClinVar aggregate classification (germline): Uncertain significance (1 of 4 stars; one submission).

Conditions:
Megaconial type congenital muscular dystrophy (MDCMC). Also called: CHKB-Related Muscular Dystrophy; CHKB-Related Muscle Diseases; MUSCULAR DYSTROPHY, CONGENITAL, WITH MITOCHONDRIAL STRUCTURAL ABNORMALITIES. Identifiers: Orphanet 280671, MedGen C1865233, MONDO:0011246, OMIM 602541.

Allele frequency attached by ClinVar (database versions not stated): gnomAD exomes below 0.00001.
gnomAD v4.1: 1 of 1,613,752 alleles (0.000062%); highest among the groups gnomAD compares: Non-Finnish European, 0.000085%; no homozygotes.

Submission:

Labcorp Genetics (formerly Invitae), Labcorp
Classification: Uncertain significance for Megaconial type congenital muscular dystrophy. Last evaluated: 2022-01-19. Review status: criteria provided, single submitter. Criteria: Invitae Variant Classification Sherloc (09022015). Collection method: clinical testing. Allele origin: germline.
Comment: This sequence change replaces tyrosine, which is neutral and polar, with histidine, which is basic and polar, at codon 316 of the CHKB protein (p.Tyr316His). This variant is not present in population databases (gnomAD no frequency). This variant has not been reported in the literature in individuals affected with CHKB-related conditions. Algorithms developed to predict the effect of missense changes on protein structure and function (SIFT, PolyPhen-2, Align-GVGD) all suggest that this variant is likely to be disruptive. In summary, the available evidence is currently insufficient to determine the role of this variant in disease. Therefore, it has been classified as a Variant of Uncertain Significance.